The following is an entry in ClinVar:

NM_007254.4(PNKP):c.1290_1298+6dup

Gene: PNKP (polynucleotide kinase 3'-phosphatase; minus strand). Cytogenetic location: 19q13.33.
Variant type: Duplication.
Coding change: c.1290_1298+6dup on transcript NM_007254.4 (MANE Select); coding-DNA position 1290 through 6 bases into the intron after coding-DNA position 1298, 15 bases duplicated (CCGCGCCAGGTAGCG).
Molecular consequence: splice donor variant.
Genome position (GRCh38, 1-based): chr19:49,861,766-49,861,780, CGCTACCTGGCGCGG duplicated on the plus strand (CCGCGCCAGGTAGCG on the coding strand, the reverse complement: PNKP is on the minus strand); duplicating any 15 consecutive bases within chr19:49,861,766-49,861,781 gives the same sequence; the c. name uses the placement nearest the transcript's 3' end. VCF-style (leftmost placement, unchanged base first): chr19-49861765-A-ACGCTACCTGGCGCGG. GRCh37 (hg19) VCF-style: chr19-50365022-A-ACGCTACCTGGCGCGG.
Other names: p.?.
Identifiers: ClinVar variation 1945807 (VCV001945807.6), dbSNP rs1568658923, ClinGen allele CA633894515.

ClinVar aggregate classification (germline): Uncertain significance. Review status: criteria provided, multiple submitters, no conflicts (2 of 4 stars). 2 submissions from 2 submitters: Uncertain significance (2). Last evaluated 2024-12-16.

Conditions:
Developmental and epileptic encephalopathy, 12 (DEE12). Identifiers: MedGen C3150988, MONDO:0013389, OMIM 613722.

Submissions (2):

Labcorp Genetics (formerly Invitae), Labcorp
Classification: Uncertain significance for Developmental and epileptic encephalopathy, 12. Last evaluated: 2024-12-16. Review status: criteria provided, single submitter. Criteria: Invitae Variant Classification Sherloc (09022015). Collection method: clinical testing. Allele origin: germline.
Comment: This sequence change falls in intron 14 of the PNKP gene. It does not directly change the encoded amino acid sequence of the PNKP protein. This variant is present in population databases (no rsID available, gnomAD 0.001%). This variant has not been reported in the literature in individuals affected with PNKP-related conditions. ClinVar contains an entry for this variant (Variation ID: 1945807). In summary, the available evidence is currently insufficient to determine the role of this variant in disease. Therefore, it has been classified as a Variant of Uncertain Significance.

Mayo Clinic Laboratories, Mayo Clinic
Classification: Uncertain significance. Last evaluated: 2024-11-21. Review status: criteria provided, single submitter. Criteria: ACMG Guidelines, 2015. Collection method: clinical testing. Allele origin: germline. Observed: 1 variant allele.
Comment: PP3, PM2_supporting